The following is an entry in ClinVar:

NM_014974.3(DIP2C):c.1557A>G (p.Thr519=)

Gene: DIP2C (DIP2 acetate--CoA ligase C (putative); minus strand). Cytogenetic location: 10p15.3.
Variant type: single nucleotide variant.
Coding change: c.1557A>G on transcript NM_014974.3 (MANE Select); coding-DNA position 1557, A replaced by G.
Protein change: p.Thr519=; no amino-acid change (threonine 519 retained).
Molecular consequence: synonymous variant.
Genome position (GRCh38, 1-based): chr10:390,031, T>C on the plus strand (A>G on the coding strand, the complement: DIP2C is on the minus strand). VCF-style: chr10-390031-T-C. GRCh37 (hg19) VCF-style: chr10-435971-T-C.
Other names: c.1557A>G (NM_014974.2).
Identifiers: ClinVar variation 1592697 (VCV001592697.20), dbSNP rs147311405, ClinGen allele CA5380873.

ClinVar aggregate classification (germline): Likely benign. Review status: criteria provided, multiple submitters, no conflicts (2 of 4 stars). 3 submissions from 3 submitters: Likely benign (2). 1 of the submissions does not count toward it. Last evaluated 2026-03-01.

Conditions:
DIP2C-related disorder. Also called: DIP2C-related condition.

Allele frequency attached by ClinVar (database versions not stated): 1000 Genomes Project 30x 0.00031; 1000 Genomes Project 0.00040; ExAC 0.00051; gnomAD exomes 0.00063 and 0.00171; gnomAD 0.00106 and 0.00107; TOPMed 0.00122; ESP Exome Variant Server 0.00138.
gnomAD v4.1: 2,686 of 1,614,098 alleles (0.17%); highest among the groups gnomAD compares: Non-Finnish European, 0.21%; 4 homozygotes.

Submissions (3):

CeGaT Center for Human Genetics Tuebingen
Classification: Likely benign. Last evaluated: 2026-03-01. Review status: criteria provided, single submitter. Criteria: CeGaT Center For Human Genetics Tuebingen Variant Classification Criteria Version 2. Collection method: clinical testing. Allele origin: germline. Affected: yes. Observed: 3 variant alleles.
Comment: DIP2C: BP4, BP7, BS1

Labcorp Genetics (formerly Invitae), Labcorp
Classification: Likely benign. Last evaluated: 2026-01-23. Review status: criteria provided, single submitter. Criteria: Invitae Variant Classification Sherloc (09022015). Collection method: clinical testing. Allele origin: germline.

PreventionGenetics, part of Exact Sciences
Classification: Likely benign for DIP2C-related condition. Last evaluated: 2019-09-18. Review status: no assertion criteria provided. Collection method: clinical testing. Allele origin: germline. Not counted in ClinVar's aggregate classification.
Comment: This variant is classified as likely benign based on ACMG/AMP sequence variant interpretation guidelines (Richards et al. 2015 PMID: 25741868, with internal and published modifications).